The following is an entry in ClinVar:

ClinVar aggregate classification (germline): Pathogenic (1 of 4 stars; one submission).

Conditions:
Developmental and epileptic encephalopathy, 9 (DEE9). Also called: PCDH19-Related X-Linked Female-Limited Epilepsy with Mental Retardation; Early infantile epileptic encephalopathy 9; EPILEPSY, FEMALE-RESTRICTED, WITH MENTAL RETARDATION; JUBERG-HELLMAN SYNDROME. Identifiers: Orphanet 101039, Orphanet 2076, MedGen C1848137, MONDO:0010246, OMIM 300088. Disease mechanism: loss of function.

Submission:

Labcorp Genetics (formerly Invitae), Labcorp
Classification: Pathogenic for Developmental and epileptic encephalopathy, 9. Last evaluated: 2022-05-22. Review status: criteria provided, single submitter. Criteria: Invitae Variant Classification Sherloc (09022015). Collection method: clinical testing. Allele origin: germline.
Comment: This sequence change creates a premature translational stop signal (p.Asn171Lysfs*55) in the PCDH19 gene. It is expected to result in an absent or disrupted protein product. Loss-of-function variants in PCDH19 are known to be pathogenic (PMID: 21053371). This variant is not present in population databases (gnomAD no frequency). This variant has not been reported in the literature in individuals affected with PCDH19-related conditions. For these reasons, this variant has been classified as Pathogenic.

Literature cited by the submitters: PubMed 21053371.

NM_001184880.2(PCDH19):c.512dup (p.Asn171fs)

Gene: PCDH19 (protocadherin 19; minus strand). Cytogenetic location: Xq22.1.
Variant type: Duplication.
Coding change: c.512dup on transcript NM_001184880.2 (MANE Select); coding-DNA position 512, one base duplicated (A; older notation c.512dupA).
Protein change: p.Asn171fs; shifts the reading frame from asparagine 171.
Molecular consequence: frameshift variant.
Genome position (GRCh38, 1-based): chrX:100,408,086, T duplicated on the plus strand (A on the coding strand, the reverse complement: PCDH19 is on the minus strand); the first of 2 consecutive T bases (chrX:100,408,086-100,408,087); duplicating either gives the same sequence. VCF-style (leftmost placement, unchanged base first): chrX-100408085-G-GT. GRCh37 (hg19) VCF-style: chrX-99663083-G-GT.
Other names: c.512dup, p.Asn171fs (NM_001105243.2, NM_020766.3); short protein forms N171fs.
Identifiers: ClinVar variation 1997809 (VCV001997809.4), dbSNP rs2520993634, ClinGen allele CA2580100080.